The following is an entry in ClinVar:

ClinVar aggregate classification (germline): Uncertain significance. Review status: criteria provided, multiple submitters, no conflicts (2 of 4 stars). 2 submissions from 2 submitters: Uncertain significance (2). Last evaluated 2025-09-24.

Allele frequency attached by ClinVar (database versions not stated): ExAC 0.00004; gnomAD exomes 0.00001 and 0.00003; TOPMed 0.00001.
gnomAD v4.1: 8 of 1,613,918 alleles (0.0005%); highest among the groups gnomAD compares: Admixed American, 0.013%; no homozygotes.

Submissions (2):

Ambry Genetics
Classification: Uncertain significance. Last evaluated: 2025-09-24. Review status: criteria provided, single submitter. Criteria: Ambry Variant Classification Scheme 2023. Collection method: clinical testing. Allele origin: germline.

Labcorp Genetics (formerly Invitae), Labcorp
Classification: Uncertain significance. Last evaluated: 2025-03-23. Review status: criteria provided, single submitter. Criteria: Invitae Variant Classification Sherloc (09022015). Collection method: clinical testing. Allele origin: germline.
Comment: This sequence change replaces glycine, which is neutral and non-polar, with arginine, which is basic and polar, at codon 305 of the A2ML1 protein (p.Gly305Arg). This variant is present in population databases (rs762795796, gnomAD 0.02%). This variant has not been reported in the literature in individuals affected with A2ML1-related conditions. ClinVar contains an entry for this variant (Variation ID: 942534). An algorithm developed to predict the effect of missense changes on protein structure and function (PolyPhen-2) suggests that this variant is likely to be tolerated. In summary, the available evidence is currently insufficient to determine the role of this variant in disease. Therefore, it has been classified as a Variant of Uncertain Significance.

NM_144670.6(A2ML1):c.913G>A (p.Gly305Arg)

Gene: A2ML1 (alpha-2-macroglobulin like 1; plus strand). Cytogenetic location: 12p13.31.
Variant type: single nucleotide variant.
Coding change: c.913G>A on transcript NM_144670.6 (MANE Select); coding-DNA position 913, G replaced by A.
Protein change: p.Gly305Arg; replaces glycine 305 with arginine.
Molecular consequence: missense variant.
Genome position (GRCh38, 1-based): chr12:8,838,393, G>A. VCF-style: chr12-8838393-G-A. GRCh37 (hg19) VCF-style: chr12-8990989-G-A.
Other names: short protein forms G305R.
Identifiers: ClinVar variation 942534 (VCV000942534.13), dbSNP rs762795796, ClinGen allele CA6435475.